The following is an entry in ClinVar:

NM_001378452.1(ITPR1):c.4227G>C (p.Leu1409=)

Gene: ITPR1 (inositol 1,4,5-trisphosphate receptor type 1; plus strand). Cytogenetic location: 3p26.1.
Variant type: single nucleotide variant.
Coding change: c.4227G>C on transcript NM_001378452.1 (MANE Select); coding-DNA position 4227, G replaced by C.
Protein change: p.Leu1409=; no amino-acid change (leucine 1409 retained).
Molecular consequence: synonymous variant.
Genome position (GRCh38, 1-based): chr3:4,693,687, G>C. VCF-style: chr3-4693687-G-C. GRCh37 (hg19) VCF-style: chr3-4735371-G-C.
Other names: c.4200G>C, p.Leu1400= (NM_001099952.4); c.4182G>C, p.Leu1394= (NM_001168272.2); c.4155G>C, p.Leu1385= (NM_002222.7).
Identifiers: ClinVar variation 345734 (VCV000345734.9), dbSNP rs555819278, ClinGen allele CA2231910.

ClinVar aggregate classification (germline): Benign. Review status: criteria provided, multiple submitters, no conflicts (2 of 4 stars). 2 submissions from 2 submitters: Benign (2). Last evaluated 2026-01-05.

Conditions:
Autosomal dominant cerebellar ataxia. Also called: Spinocerebellar Ataxia, Dominant. Identifiers: Orphanet 99, MedGen C4087347, MONDO:0020380.

Allele frequency attached by ClinVar (database versions not stated): gnomAD exomes 0.00022; 1000 Genomes Project 30x 0.00031; ExAC 0.00038; 1000 Genomes Project 0.00040.
gnomAD v4.1: 330 of 1,614,068 alleles (0.02%); highest among the groups gnomAD compares: South Asian, 0.34%; 4 homozygotes.

Submissions (2):

Labcorp Genetics (formerly Invitae), Labcorp
Classification: Benign. Last evaluated: 2026-01-05. Review status: criteria provided, single submitter. Criteria: Invitae Variant Classification Sherloc (09022015). Collection method: clinical testing. Allele origin: germline.

Illumina Laboratory Services, Illumina
Classification: Benign for Spinocerebellar Ataxia, Dominant. Last evaluated: 2018-01-12. Review status: criteria provided, single submitter. Criteria: ICSL Variant Classification Criteria 13 December 2019. Collection method: clinical testing. Allele origin: germline.
Comment: This variant was observed in the ICSL laboratory as part of a predisposition screen in an ostensibly healthy population. It had not been previously curated by ICSL or reported in the Human Gene Mutation Database (HGMD: prior to June 1st, 2018), and was therefore a candidate for classification through an automated scoring system. Utilizing variant allele frequency, disease prevalence and penetrance estimates, and inheritance mode, an automated score was calculated to assess if this variant is too frequent to cause the disease. Based on the score and internal cut-off values, a variant classified as benign is not then subjected to further curation. The score for this variant resulted in a classification of benign for this disease.